The following is an entry in ClinVar:

ClinVar aggregate classification (germline): Uncertain significance (1 of 4 stars; one submission).

Conditions:
Hereditary cancer-predisposing syndrome. Also called: Neoplastic Syndromes, Hereditary; Tumor predisposition; Hereditary neoplastic syndrome; Hereditary Cancer Syndrome. Identifiers: Orphanet 140162, MedGen C0027672, MeSH D009386, MONDO:0015356.

Allele frequency attached by ClinVar (database versions not stated): gnomAD exomes below 0.00001.
gnomAD v4.1: 1 of 1,605,112 alleles (0.000062%); highest among the groups gnomAD compares: African/African-American, 0.0013%; no homozygotes.

Submission:

Ambry Genetics
Classification: Uncertain significance for Hereditary cancer-predisposing syndrome. Last evaluated: 2025-06-24. Review status: criteria provided, single submitter. Criteria: Ambry Variant Classification Scheme 2023. Collection method: clinical testing. Allele origin: germline.
Comment: The p.G150R variant (also known as c.448G>A), located in coding exon 1 of the CDKN1B gene, results from a G to A substitution at nucleotide position 448. The glycine at codon 150 is replaced by arginine, an amino acid with dissimilar properties. This amino acid position is well conserved in available vertebrate species. In addition, this alteration is predicted to be tolerated by in silico analysis. Based on the available evidence, the clinical significance of this variant remains unclear.

NM_004064.5(CDKN1B):c.448G>A (p.Gly150Arg)

Gene: CDKN1B (cyclin dependent kinase inhibitor 1B; plus strand). Cytogenetic location: 12p13.1.
Variant type: single nucleotide variant.
Coding change: c.448G>A on transcript NM_004064.5 (MANE Select); coding-DNA position 448, G replaced by A.
Protein change: p.Gly150Arg; replaces glycine 150 with arginine.
Molecular consequence: missense variant.
Genome position (GRCh38, 1-based): chr12:12,718,287, G>A. VCF-style: chr12-12718287-G-A. GRCh37 (hg19) VCF-style: chr12-12871221-G-A.
Other names: short protein forms G150R.
Identifiers: ClinVar variation 824934 (VCV000824934.5), dbSNP rs1592281257, ClinGen allele CA383970837.
Genomic context (GRCh38, chr12:12,718,287, plus strand): 5'-TTGGTGGACCCAAAGACTGATCCGTCGGACAGCCAGACGGGGTTAGCGGAGCAATGCGCA[G>A]GAATAAGGAAGCGACCTGCAACCGACGGTAATGACCCTTTCCCAACCATAGAATGTGTTT-3'
Protein context (NP_004055.1, residues 140-160): SQTGLAEQCA[Gly150Arg]IRKRPATDDS